The following is an entry in ClinVar:

ClinVar aggregate classification (germline): Likely benign (0 of 4 stars; one submission).

Conditions:
TUBA1A-related disorder. Also called: TUBA1A-related condition.

Submission:

PreventionGenetics, part of Exact Sciences
Classification: Likely benign for TUBA1A-related condition. Last evaluated: 2023-04-26. Review status: no assertion criteria provided. Collection method: clinical testing. Allele origin: germline.
Comment: This variant is classified as likely benign based on ACMG/AMP sequence variant interpretation guidelines (Richards et al. 2015 PMID: 25741868, with internal and published modifications).

NM_006009.4(TUBA1A):c.376-9_376-8del

Gene: TUBA1A (tubulin alpha 1a; minus strand). Cytogenetic location: 12q13.12.
Variant type: Deletion.
Coding change: c.376-9_376-8del on transcript NM_006009.4 (MANE Select); 9 bases into the intron before coding-DNA position 376 through 8 bases into the intron before coding-DNA position 376, 2 bases deleted (TT; older notation c.376-9_376-8delTT).
Molecular consequence: intron variant.
Genome position (GRCh38, 1-based): chr12:49,185,998-49,185,999, AA deleted on the plus strand (TT on the coding strand, the reverse complement: TUBA1A is on the minus strand); deleting any 2 consecutive bases within chr12:49,185,998-49,186,001 gives the same sequence; the c. name uses the placement nearest the transcript's 3' end. VCF-style (leftmost placement, unchanged base first): chr12-49185997-CAA-C. GRCh37 (hg19) VCF-style: chr12-49579780-CAA-C.
Other names: c.271-9_271-8del (NM_001270400.2); c.376-9_376-8del (NM_001270399.2).
Identifiers: ClinVar variation 3053901 (VCV003053901.2), dbSNP rs770430707, ClinGen allele CA6550257.
Genomic context (GRCh38, chr12:49,185,997, plus strand): 5'-CCCACCAAAGCTGTGGAAAACCAAGAAGCCCTGGAGACCCGTGCACTGGTCGGCCTATAA[CAA>C]AAGAGAGGAACAGAGGAAAGGTTAAGTTTTTATTCTTTGTAGTACAATCATAGTAAATAT-3'